The following is an entry in ClinVar:

NM_001429.4(EP300):c.-6T>G

Gene: EP300 (E1A binding protein p300; plus strand). Cytogenetic location: 22q13.2.
Variant type: single nucleotide variant.
Coding change: c.-6T>G on transcript NM_001429.4 (MANE Select); 6 bases upstream of the start codon, T replaced by G.
Molecular consequence: 5 prime UTR variant.
Genome position (GRCh38, 1-based): chr22:41,092,999, T>G. VCF-style: chr22-41092999-T-G. GRCh37 (hg19) VCF-style: chr22-41489003-T-G.
Other names: c.-6T>G (NM_001362843.2).
Identifiers: ClinVar variation 3354336 (VCV003354336.1).

ClinVar aggregate classification (germline): Likely benign (0 of 4 stars; one submission).

Conditions:
EP300-related disorder. Also called: EP300-related disorders; EP300-related condition.

Submission:

PreventionGenetics, part of Exact Sciences
Classification: Likely benign for EP300-related condition. Last evaluated: 2022-04-28. Review status: no assertion criteria provided. Collection method: clinical testing. Allele origin: germline.
Comment: This variant is classified as likely benign based on ACMG/AMP sequence variant interpretation guidelines (Richards et al. 2015 PMID: 25741868, with internal and published modifications).